The following is an entry in ClinVar:

NM_014283.5(SUCO):c.77G>A (p.Arg26His)

Gene: SUCO (SUN domain containing ossification factor; plus strand). Cytogenetic location: 1q24.3.
Variant type: single nucleotide variant.
Coding change: c.77G>A on transcript NM_014283.5 (MANE Select); coding-DNA position 77, G replaced by A.
Protein change: p.Arg26His; replaces arginine 26 with histidine.
Molecular consequence: missense variant. On other transcripts: 5 prime UTR variant (1).
Genome position (GRCh38, 1-based): chr1:172,551,526, G>A. VCF-style: chr1-172551526-G-A. GRCh37 (hg19) VCF-style: chr1-172520666-G-A.
Other names: c.77G>A, p.Arg26His (NM_001282750.2); c.-1453G>A (NM_001282751.2); c.662G>A, p.Arg221His (NM_016227.4); short protein forms R221H, R26H.
Identifiers: ClinVar variation 2420544 (VCV002420544.5), dbSNP rs114783081, ClinGen allele CA1246454.

ClinVar aggregate classification (germline): Uncertain significance (1 of 4 stars; one submission).

Allele frequency attached by ClinVar (database versions not stated): TOPMed below 0.00001; ExAC 0.00001; gnomAD 0.00001; gnomAD exomes 0.00001.
gnomAD v4.1: 9 of 1,604,468 alleles (0.00056%); highest among the groups gnomAD compares: Admixed American, 0.0017%; no homozygotes.

Submission:

Labcorp Genetics (formerly Invitae), Labcorp
Classification: Uncertain significance. Last evaluated: 2022-08-10. Review status: criteria provided, single submitter. Criteria: Invitae Variant Classification Sherloc (09022015). Collection method: clinical testing. Allele origin: germline.
Comment: The frequency data for this variant in the population databases is considered unreliable, as metrics indicate poor data quality at this position in the gnomAD database. This variant has not been reported in the literature in individuals affected with SUCO-related conditions. Algorithms developed to predict the effect of missense changes on protein structure and function output the following: SIFT: "Tolerated"; PolyPhen-2: "Benign"; Align-GVGD: "Class C0". The histidine amino acid residue is found in multiple mammalian species, which suggests that this missense change does not adversely affect protein function. In summary, the available evidence is currently insufficient to determine the role of this variant in disease. Therefore, it has been classified as a Variant of Uncertain Significance. This sequence change replaces arginine, which is basic and polar, with histidine, which is basic and polar, at codon 26 of the SUCO protein (p.Arg26His).